The following is an entry in ClinVar:

ClinVar aggregate classification (germline): Uncertain significance (1 of 4 stars; one submission).

Submission:

Labcorp Genetics (formerly Invitae), Labcorp
Classification: Uncertain significance. Last evaluated: 2022-07-12. Review status: criteria provided, single submitter. Criteria: Invitae Variant Classification Sherloc (09022015). Collection method: clinical testing. Allele origin: germline.
Comment: This variant has not been reported in the literature in individuals affected with COL11A2-related conditions. In summary, the available evidence is currently insufficient to determine the role of this variant in disease. Therefore, it has been classified as a Variant of Uncertain Significance. Algorithms developed to predict the effect of sequence changes on RNA splicing suggest that this variant may create or strengthen a splice site. Advanced modeling of protein sequence and biophysical properties (such as structural, functional, and spatial information, amino acid conservation, physicochemical variation, residue mobility, and thermodynamic stability) performed at Invitae indicates that this missense variant is not expected to disrupt COL11A2 protein function. ClinVar contains an entry for this variant (Variation ID: 1515161). This variant is not present in population databases (gnomAD no frequency). This sequence change replaces arginine, which is basic and polar, with proline, which is neutral and non-polar, at codon 455 of the COL11A2 protein (p.Arg455Pro).

NM_080680.3(COL11A2):c.1364G>C (p.Arg455Pro)

Gene: COL11A2 (collagen type XI alpha 2 chain; minus strand). Cytogenetic location: 6p21.32.
Variant type: single nucleotide variant.
Coding change: c.1364G>C on transcript NM_080680.3 (MANE Select); coding-DNA position 1364, G replaced by C.
Protein change: p.Arg455Pro; replaces arginine 455 with proline.
Molecular consequence: missense variant.
Genome position (GRCh38, 1-based): chr6:33,179,801, C>G on the plus strand (G>C on the coding strand, the complement: COL11A2 is on the minus strand). VCF-style: chr6-33179801-C-G. GRCh37 (hg19) VCF-style: chr6-33147578-C-G.
Other names: c.1043G>C, p.Arg348Pro (NM_080679.3); c.1106G>C, p.Arg369Pro (NM_080681.3); short protein forms R348P, R369P, R455P.
Identifiers: ClinVar variation 1515161 (VCV001515161.8), dbSNP rs781138300, ClinGen allele CA363606091.